The following is an entry in ClinVar:

ClinVar aggregate classification (germline): Benign/Likely benign. Review status: criteria provided, multiple submitters, no conflicts (2 of 4 stars). 4 submissions from 4 submitters: Benign (2); Likely benign (1). 1 of the submissions does not count toward it. Last evaluated 2024-11-27.

Conditions:
SCAPER-related disorder. Also called: SCAPER-related condition.

Allele frequency attached by ClinVar (database versions not stated): gnomAD exomes 0.00045 and 0.00114; ExAC 0.00149; gnomAD 0.00448 and 0.00480; TOPMed 0.00479; ESP Exome Variant Server 0.00492; 1000 Genomes Project 0.00519; 1000 Genomes Project 30x 0.00578.
gnomAD v4.1: 1,363 of 1,613,836 alleles (0.084%); highest among the groups gnomAD compares: African/African-American, 1.6%; 18 homozygotes.

Submissions (4):

Blueprint Genetics
Classification: Likely benign. Last evaluated: 2024-11-27. Review status: criteria provided, single submitter. Criteria: ACMG Guidelines, 2015. Collection method: clinical testing. Allele origin: germline.

Labcorp Genetics (formerly Invitae), Labcorp
Classification: Benign. Last evaluated: 2019-12-31. Review status: criteria provided, single submitter. Criteria: Invitae Variant Classification Sherloc (09022015). Collection method: clinical testing. Allele origin: germline.

Breakthrough Genomics
Classification: Benign. Review status: criteria provided, single submitter. Criteria: ACMG Guidelines, 2015. Collection method: not provided. Allele origin: germline. Inheritance: Autosomal recessive inheritance. Affected: yes.

PreventionGenetics, part of Exact Sciences
Classification: Benign for SCAPER-related condition. Last evaluated: 2024-07-26. Review status: no assertion criteria provided. Collection method: clinical testing. Allele origin: germline. Not counted in ClinVar's aggregate classification.
Comment: This variant is classified as benign based on ACMG/AMP sequence variant interpretation guidelines (Richards et al. 2015 PMID: 25741868, with internal and published modifications).

NM_020843.4(SCAPER):c.3290A>G (p.Asn1097Ser)

Genes: SCAPER (S-phase cyclin A associated protein in the ER; minus strand), LOC126862183 (BRD4-independent group 4 enhancer GRCh37_chr15:76726060-76727259; plus strand). Cytogenetic location: 15q24.3.
Variant type: single nucleotide variant.
Coding change: c.3290A>G on transcript NM_020843.4 (MANE Select); coding-DNA position 3290, A replaced by G.
Protein change: p.Asn1097Ser; replaces asparagine 1097 with serine.
Molecular consequence: missense variant. On other transcripts: non-coding transcript variant (1).
Genome position (GRCh38, 1-based): chr15:76,434,099, T>C on the plus strand (A>G on the coding strand, the complement: SCAPER is on the minus strand). VCF-style: chr15-76434099-T-C. GRCh37 (hg19) VCF-style: chr15-76726440-T-C.
Other names: c.2552A>G, p.Asn851Ser (NM_001145923.2); c.3308A>G, p.Asn1103Ser (NM_001353009.2); c.2888A>G, p.Asn963Ser (NM_001353010.2, NM_001353012.2); c.2906A>G, p.Asn969Ser (NM_001353011.2); c.3308A>G (NM_001353009.1); short protein forms N969S, N1097S, N851S, N1103S, N963S.
Identifiers: ClinVar variation 791406 (VCV000791406.8), dbSNP rs73450253, ClinGen allele CA7674488.